The following is an entry in ClinVar:

NM_002528.7(NTHL1):c.182A>C (p.Glu61Ala)

Gene: NTHL1 (nth like DNA glycosylase 1; minus strand). Cytogenetic location: 16p13.3.
Variant type: single nucleotide variant.
Coding change: c.182A>C on transcript NM_002528.7 (MANE Select); coding-DNA position 182, A replaced by C.
Protein change: p.Glu61Ala; replaces glutamic acid 61 with alanine.
Molecular consequence: missense variant. On other transcripts: synonymous variant (1).
Genome position (GRCh38, 1-based): chr16:2,046,300, T>G on the plus strand (A>C on the coding strand, the complement: NTHL1 is on the minus strand). VCF-style: chr16-2046300-T-G. GRCh37 (hg19) VCF-style: chr16-2096301-T-G.
Other names: c.182A>C, p.Glu61Ala (NM_001318193.2); c.4A>C, p.Arg2= (NM_001318194.2); short protein forms E61A.
Identifiers: ClinVar variation 3301263 (VCV003301263.1).

ClinVar aggregate classification (germline): Uncertain significance (1 of 4 stars; one submission).

Conditions:
Hereditary cancer-predisposing syndrome. Also called: Tumor predisposition; Hereditary Cancer Syndrome; Hereditary neoplastic syndrome; Neoplastic Syndromes, Hereditary. Identifiers: Orphanet 140162, MedGen C0027672, MeSH D009386, MONDO:0015356.

Submission:

Ambry Genetics
Classification: Uncertain significance for Hereditary cancer-predisposing syndrome. Last evaluated: 2024-05-12. Review status: criteria provided, single submitter. Criteria: Ambry Variant Classification Scheme 2023. Collection method: clinical testing. Allele origin: germline.
Comment: The p.E69A variant (also known as c.206A>C), located in coding exon 2 of the NTHL1 gene, results from an A to C substitution at nucleotide position 206. The glutamic acid at codon 69 is replaced by alanine, an amino acid with dissimilar properties. This amino acid position is conserved. In addition, this alteration is predicted to be tolerated by in silico analysis. Based on the available evidence, the clinical significance of this variant remains unclear.